The following is an entry in ClinVar:

ClinVar aggregate classification (germline): Conflicting classifications of pathogenicity. Review status: criteria provided, conflicting classifications (1 of 4 stars). 10 submissions from 10 submitters: Uncertain significance (8); Likely benign (2). Last evaluated 2026-04-16.

Conditions:
17p11.2 microduplication syndrome (PTLS). Also called: CHROMOSOME 17p11.2 DUPLICATION SYNDROME; Potocki-Lupski syndrome; Duplication 17p11.2 syndrome; Potocki-Lupski syndrome (dup(17)(p11.2p11.2)). Identifiers: Orphanet 1713, MedGen C2931246, MONDO:0012574, OMIM 610883.
Nonpapillary renal cell carcinoma. Identifiers: Orphanet 422526, MedGen CN074294, MONDO:0007763, OMIM 144700.
Birt-Hogg-Dube syndrome. Also called: Birt Hogg Dubé syndrome. Identifiers: Orphanet 122, MedGen C0346010, MONDO:0800444.
Colorectal cancer. Also called: Malignant Colorectal Neoplasm; Colorectal cancer, somatic. Identifiers: MedGen C0346629, MONDO:0005575, OMIM 114500.
Familial spontaneous pneumothorax (PSP). Identifiers: Orphanet 2903, MedGen C1868193, MONDO:0008259, OMIM 173600.
FLCN-related disorder. Also called: FLCN-related condition.
Birt-Hogg-Dube syndrome 1 (BHD1). Also called: FIBROFOLLICULOMAS WITH TRICHODISCOMAS AND ACROCHORDONS. Identifiers: Orphanet 122, MedGen CN375946, MONDO:0800445, OMIM 135150.
Hereditary cancer-predisposing syndrome. Also called: Tumor predisposition; Neoplastic Syndromes, Hereditary; Hereditary Cancer Syndrome; Hereditary neoplastic syndrome. Identifiers: Orphanet 140162, MedGen C0027672, MeSH D009386, MONDO:0015356.

Allele frequency attached by ClinVar (database versions not stated): gnomAD exomes 0.00003 and 0.00002; TOPMed 0.00003; gnomAD 0.00001; ExAC 0.00002.
gnomAD v4.1: 39 of 1,614,130 alleles (0.0024%); highest among the groups gnomAD compares: Non-Finnish European, 0.0031%; no homozygotes.

Submissions (10):

PreventionGenetics, part of Exact Sciences
Classification: Uncertain significance for FLCN-related condition. Last evaluated: 2026-04-16. Review status: criteria provided, single submitter. Criteria: ACMG Guidelines, 2015. Collection method: clinical testing. Allele origin: germline.
Comment: The FLCN c.1635C>G variant is predicted to result in the amino acid substitution p.Asp545Glu. To our knowledge, this variant has not been reported in the literature. This variant is reported in 0.0039% of alleles in individuals of European (Non-Finnish) descent in gnomAD has conflicting interpretations ranging from uncertain to benign in ClinVar (Variation ID: 184253). At this time, the clinical significance of this variant is uncertain due to the absence of conclusive functional and genetic evidence.

Labcorp Genetics (formerly Invitae), Labcorp
Classification: Uncertain significance for Birt-Hogg-Dube syndrome. Last evaluated: 2026-01-14. Review status: criteria provided, single submitter. Criteria: Invitae Variant Classification Sherloc (09022015). Collection method: clinical testing. Allele origin: germline.
Comment: This sequence change replaces aspartic acid, which is acidic and polar, with glutamic acid, which is acidic and polar, at codon 545 of the FLCN protein (p.Asp545Glu). This variant is present in population databases (rs760329266, gnomAD 0.004%). This variant has not been reported in the literature in individuals affected with FLCN-related conditions. ClinVar contains an entry for this variant (Variation ID: 184253). Invitae Evidence Modeling of protein sequence and biophysical properties (such as structural, functional, and spatial information, amino acid conservation, physicochemical variation, residue mobility, and thermodynamic stability) indicates that this missense variant is not expected to disrupt FLCN protein function with a negative predictive value of 80%. In summary, the available evidence is currently insufficient to determine the role of this variant in disease. Therefore, it has been classified as a Variant of Uncertain Significance.

Center for Genomic Medicine, Rigshospitalet, Copenhagen University Hospital
Classification: Uncertain significance. Last evaluated: 2025-03-04. Review status: criteria provided, single submitter. Criteria: ACMG Guidelines, 2015. Collection method: clinical testing. Allele origin: germline.

Myriad Genetics, Inc.
Classification: Likely benign for Birt-Hogg-Dube syndrome 1. Last evaluated: 2024-10-28. Review status: criteria provided, single submitter. Criteria: Myriad Autosomal Dominant, Autosomal Recessive and X-Linked Classification Criteria (2023). Collection method: clinical testing. Allele origin: unknown.
Comment: This variant is considered likely benign. This variant has been observed at a population frequency that is significantly greater than expected given the associated disease prevalence and penetrance.

Quest Diagnostics Nichols Institute San Juan Capistrano
Classification: Uncertain significance. Last evaluated: 2023-12-18. Review status: criteria provided, single submitter. Criteria: Quest Diagnostics criteria. Collection method: clinical testing. Allele origin: unknown.
Comment: The FLCN c.1635C>G (p.Asp545Glu) variant has not been reported as a germline variant in individuals with FLCN-related conditions in the published literature. The frequency of this variant in the general population, 0.000039 (5/129192 chromosomes (Genome Aggregation Database)), is uninformative in the assessment of its pathogenicity. Analysis of this variant using bioinformatics tools for the prediction of the effect of amino acid changes on protein structure and function yielded predictions that this variant is benign. Based on the available information, we are unable to determine the clinical significance of this variant.

GeneDx
Classification: Uncertain significance. Last evaluated: 2023-07-11. Review status: criteria provided, single submitter. Criteria: GeneDx Variant Classification Process June 2021. Collection method: clinical testing. Allele origin: germline. Affected: yes.
Comment: Not observed at significant frequency in large population cohorts (gnomAD); In silico analysis supports that this missense variant does not alter protein structure/function; Has not been previously published as pathogenic or benign to our knowledge; This variant is associated with the following publications: (PMID: 27363283, 27997549, 17028174)

Ambry Genetics
Classification: Likely benign for Hereditary cancer-predisposing syndrome. Last evaluated: 2022-12-16. Review status: criteria provided, single submitter. Criteria: Ambry Variant Classification Scheme 2023. Collection method: clinical testing. Allele origin: germline.

CeGaT Center for Human Genetics Tuebingen
Classification: Uncertain significance. Last evaluated: 2022-11-01. Review status: criteria provided, single submitter. Criteria: CeGaT Center For Human Genetics Tuebingen Variant Classification Criteria Version 2. Collection method: clinical testing. Allele origin: germline. Affected: yes. Observed: 1 variant allele.
Comment: FLCN: PM2, PP3

Fulgent Genetics
Classification: Uncertain significance for Colorectal cancer; Birt-Hogg-Dube syndrome 1; Nonpapillary renal cell carcinoma; Familial spontaneous pneumothorax; 17p11.2 microduplication syndrome. Last evaluated: 2021-12-25. Review status: criteria provided, single submitter. Criteria: ACMG Guidelines, 2015. Collection method: clinical testing. Allele origin: unknown.

Institute for Clinical Genetics, University Hospital TU Dresden, University Hospital TU Dresden
Classification: Uncertain significance. Last evaluated: 2021-11-03. Review status: criteria provided, single submitter. Criteria: ACMG Guidelines, 2015. Collection method: clinical testing. Allele origin: germline.

Literature cited by the submitters: PubMed 27363283 (cited by Quest Diagnostics Nichols Institute San Juan Capistrano); PubMed 27997549 (cited by Quest Diagnostics Nichols Institute San Juan Capistrano).

NM_144997.7(FLCN):c.1635C>G (p.Asp545Glu)

Gene: FLCN (folliculin; minus strand). Cytogenetic location: 17p11.2.
Variant type: single nucleotide variant.
Coding change: c.1635C>G on transcript NM_144997.7 (MANE Select); coding-DNA position 1635, C replaced by G.
Protein change: p.Asp545Glu; replaces aspartic acid 545 with glutamic acid.
Molecular consequence: missense variant.
Genome position (GRCh38, 1-based): chr17:17,213,760, G>C on the plus strand (C>G on the coding strand, the complement: FLCN is on the minus strand). VCF-style: chr17-17213760-G-C. GRCh37 (hg19) VCF-style: chr17-17117074-G-C.
Other names: c.1635C>G (LRG_325t1, NM_144997.6); c.1689C>G, p.Asp563Glu (NM_001353229.2); c.1635C>G, p.Asp545Glu (NM_001353230.2, NM_001353231.2); short protein forms D545E, D563E.
Identifiers: ClinVar variation 184253 (VCV000184253.54), dbSNP rs760329266, ClinGen allele CA188379.
Genomic context (GRCh38, chr17:17,213,760, plus strand): 5'-GAGGTGTGACTTGTAGGTCTTGCTCAGGCCAGTCATCCAGAACTTCAGCAGCTTGACATT[G>C]TCCTCCTCGGACGCACCCAGGATGCTCAGCAGCTTCTGTGTGTCCTCTTTGGGTCGACTG-3'
Protein context (NP_659434.2, residues 535-555): LLSILGASEE[Asp545Glu]NVKLLKFWMT